The following is an entry in ClinVar:

NM_000159.4(GCDH):c.877G>A (p.Ala293Thr)

Gene: GCDH (glutaryl-CoA dehydrogenase; plus strand). Cytogenetic location: 19p13.13.
Variant type: single nucleotide variant.
Coding change: c.877G>A on transcript NM_000159.4 (MANE Select); coding-DNA position 877, G replaced by A.
Protein change: p.Ala293Thr; replaces alanine 293 with threonine.
Molecular consequence: missense variant. On other transcripts: non-coding transcript variant (2).
Genome position (GRCh38, 1-based): chr19:12,896,934, G>A. VCF-style: chr19-12896934-G-A. GRCh37 (hg19) VCF-style: chr19-13007748-G-A.
Other names: c.877G>A, p.Ala293Thr (NM_013976.5); short protein forms A293T.
Identifiers: ClinVar variation 2083 (VCV000002083.81), dbSNP rs121434371, ClinGen allele CA234085.

ClinVar aggregate classification (germline): Pathogenic. Review status: criteria provided, multiple submitters, no conflicts (2 of 4 stars). 22 submissions from 22 submitters: Pathogenic (18). 4 of the submissions do not count toward it. Last evaluated 2026-01-28.

Conditions:
GCDH-related disorder. Also called: GCDH-related condition.
Glutaric aciduria, type 1. Also called: GA I; Glutaricaciduria, type I; Glutaric acidemia type I; Glutaric Acidemia Type 1; Glutaricacidemia Type 1; Glutaryl-CoA dehydrogenase deficiency. Identifiers: Orphanet 25, MedGen C0268595, MONDO:0009281, OMIM 231670.

Allele frequency attached by ClinVar (database versions not stated): gnomAD 0.00011 and 0.00010; TOPMed 0.00011.

Submissions 1 to 13 of 22:

PreventionGenetics, part of Exact Sciences
Classification: Pathogenic for GCDH-related condition. Last evaluated: 2026-01-28. Review status: criteria provided, single submitter. Criteria: ACMG Guidelines, 2015. Collection method: clinical testing. Allele origin: germline.
Comment: The GCDH c.877G>A variant is predicted to result in the amino acid substitution p.Ala293Thr. This variant has been reported in the apparently homozygous state and along with a second causative GCDH variant in multiple individuals with glutaric acidemia I or GCDH-associated features (for example, Table S2, Schuurmans et al. 2023. PubMed ID: 37020324; Busquets et al. 2000. PubMed ID: 10960496; Biery et al. 1996. PubMed ID: 8900227; Flamand-Rouvière et al. 2010. PubMed ID: 20629163; van der Watt et al. 2010. PubMed ID: 20732827; Sitta et al. 2020. PubMed ID: 33064266). This variant has also been reported to segregate in affected siblings and an asymptomatic sibling in unrelated families (Busquets et al. 2000. PubMed ID: 10960496; Anikster et al. 1996. PubMed ID: 8900228). This variant has also been reported in asymptomatic infants (Table S2, Schuurmans et al. 2023. PubMed ID: 37020324). This variant is reported in 0.040% of alleles in individuals of African descent in gnomAD. Functional studies have shown this variant results in greatly reduced or abolished GCDH activity (Christensen et al. 2004. PubMed ID: 15505393; Biery et al. 1996. PubMed ID: 8900227; Flamand-Rouvière et al. 2010. PubMed ID: 20629163). An alternate missense variant at this amino acid (p.Ala293Val) has been reported to be in individuals with glutaric acidemia I (Gürbüz. 2020. PubMed ID: 32777384). This variant is interpreted as pathogenic.

Labcorp Genetics (formerly Invitae), Labcorp
Classification: Pathogenic for Glutaric aciduria, type 1. Last evaluated: 2026-01-13. Review status: criteria provided, single submitter. Criteria: Invitae Variant Classification Sherloc (09022015). Collection method: clinical testing. Allele origin: germline.
Comment: This sequence change replaces alanine, which is neutral and non-polar, with threonine, which is neutral and polar, at codon 293 of the GCDH protein (p.Ala293Thr). This variant is present in population databases (rs121434371, gnomAD 0.04%). This missense change has been observed in individual(s) with glutaric aciduria type I (PMID: 8900227, 8900228, 10960496, 12199454, 15573311). In at least one individual the data is consistent with being in trans (on the opposite chromosome) from a pathogenic variant. ClinVar contains an entry for this variant (Variation ID: 2083). Invitae Evidence Modeling of protein sequence and biophysical properties (such as structural, functional, and spatial information, amino acid conservation, physicochemical variation, residue mobility, and thermodynamic stability) indicates that this missense variant is expected to disrupt GCDH protein function with a positive predictive value of 80%. Experimental studies have shown that this missense change affects GCDH function (PMID: 8900227). For these reasons, this variant has been classified as Pathogenic.

Natera, Inc.
Classification: Pathogenic for Glutaric acidemia type 1. Last evaluated: 2025-08-01. Review status: criteria provided, single submitter. Criteria: Natera Variant Classification Schema (03/2026). Collection method: clinical testing. Allele origin: germline.
Comment: The c.877G>A variant in GCDH is a missense variant predicted to cause substitution of alanine to threonine at amino acid 293. This variant is rare in the general population with a frequency below the threshold expected for the associated phenotype(s). This variant has been observed in at least one unaffected individual, with a zygosity that is consistent with the inheritance pattern for the associated condition (in gnomAD and/or literature) (PMID: 8900228, 10960496). This variant has been observed in one or more individuals affected with the associated recessive disease, as either homozygous or compound heterozygous with a second variant (PMID: 8900228, 10960496, 22728054, 8900227, 15505393). Additionally, this variant has been observed to segregate in affected family members (PMID: 8900228, 10960496). Computational prediction algorithms indicate this variant is likely to affect gene or protein function. Given the available evidence, this variant is classified as Pathogenic.

GeneDx
Classification: Pathogenic. Last evaluated: 2024-09-16. Review status: criteria provided, single submitter. Criteria: GeneDx Variant Classification Process June 2021. Collection method: clinical testing. Allele origin: germline. Affected: yes.
Comment: In silico analysis supports that this missense variant has a deleterious effect on protein structure/function; This variant is associated with the following publications: (PMID: 17188916, 8900228, 8900227, 31536184, 9711871, 28794906, 27397597, 28281424, 25087612, 20629163, 15505393, 15573311, 12199454, 32556492, 20732827, 19433437, 16641220, 10960496, 28062662, 29086383, 30570710, 26071121, 33064266, 32778825, 39211641, 38137040, 37685964, 36906724, 36913764, 38714461, 37020324)

Dr.Nikuei Genetic Center
Classification: Pathogenic for Glutaric aciduria, type 1. Last evaluated: 2024-07-11. Review status: criteria provided, single submitter. Criteria: ACMG Guidelines, 2015. Collection method: clinical testing. Allele origin: germline. Affected: yes.

Genomic Medicine Center of Excellence, King Faisal Specialist Hospital and Research Centre
Classification: Pathogenic for Glutaric aciduria, type 1. Last evaluated: 2024-03-17. Review status: criteria provided, single submitter. Criteria: ACMG Guidelines, 2015. Collection method: research. Allele origin: germline.

Revvity Omics, Revvity
Classification: Pathogenic for Glutaric aciduria, type 1. Last evaluated: 2023-10-27. Review status: criteria provided, single submitter. Criteria: ACMG Guidelines, 2015. Collection method: clinical testing. Allele origin: germline.

Laboratorio de Genetica e Diagnostico Molecular, Hospital Israelita Albert Einstein
Classification: Pathogenic for Glutaric aciduria, type 1. Last evaluated: 2022-08-08. Review status: criteria provided, single submitter. Criteria: ACMG Guidelines, 2015. Collection method: clinical testing. Allele origin: germline. Affected: yes. Observed: 1 variant allele.
Comment: ACMG classification criteria: PS3 supporting, PS4 strong, PM2 supporting, PM3 strong, PP3 supporting

Laboratory for Molecular Medicine, Mass General Brigham Personalized Medicine
Classification: Pathogenic for Glutaric aciduria, type 1. Last evaluated: 2022-06-23. Review status: criteria provided, single submitter. Criteria: ACMG Guidelines, 2015. Collection method: clinical testing. Allele origin: germline.
Comment: The p.Ala293Thr variant in GCDH has been reported in at least 20 individuals with glutaric aciduria type 1, including eleven compound heterozygotes and five homozygotes, and segregated with disease in three affected individuals from three families (Biery 1996 PMID: 8900227, Ojwang 2001 PMID: 12199454, Mahfoud 2004 PMID: 15573311, Adhikari 2020 PMID: 32778825, Sitta 2021 PMID: 33064266, Busquets 2000 PMID: 10960496). It has also been identified in is 0.0290% (12/41462) of African chromosomes by gnomAD and has been reported in ClinVar (Variation ID 2083). Computational prediction tools and conservation analysis suggest that this variant may impact the protein, though this information is not predictive enough to determine pathogenicity. In vitro functional studies provide some evidence that this variant impacts protein function by eliminating glutaryl-CoA dehydrogenase activity (Busquets 2000 PMID:10960496); however, these types of assays may not accurately represent biological function. In summary, this variant meets criteria to be classified as pathogenic for autosomal recessive glutaryl-CoA dehydrogenase deficiency. ACMG/AMP Criteria applied: PM3_VeryStrong, PP3, PP4, PP1_Strong, PS3_Moderate.

Mendelics
Classification: Pathogenic for Glutaric aciduria, type 1. Last evaluated: 2022-05-04. Review status: criteria provided, single submitter. Criteria: Mendelics Assertion Criteria 2019. Collection method: clinical testing. Allele origin: germline.

Fulgent Genetics
Classification: Pathogenic for Glutaric aciduria, type 1. Last evaluated: 2018-10-31. Review status: criteria provided, single submitter. Criteria: ACMG Guidelines, 2015. Collection method: clinical testing. Allele origin: unknown.

Illumina Laboratory Services, Illumina
Classification: Pathogenic for Glutaric aciduria, type 1. Last evaluated: 2018-10-23. Review status: criteria provided, single submitter. Criteria: ICSL Variant Classification Criteria 09 May 2019. Collection method: clinical testing. Allele origin: germline.
Comment: Across a selection of the available literature, the GCDH c.877G>A (p.Ala293Thr) variant has been identified in a homozygous state in 21 probands with glutaric acidemia and one asymptomatic individual, in a compound heterozygous state in 15 affected probands, and in a heterozygous state in 23 healthy individuals (Biery et al. 1996; Anikster et al. 1996; Busquets et al. 2000; Christensen et al. 2004; Van der Watt et al. 2010; Flamand-Rouviere et al. 2010). The p.Ala293Thr variant was absent from 50 controls but is reported at a frequency of 0.00058 in the African population of the Exome Aggregation Consortium. Functional studies performed in vivo using proband fibroblast or leukocyte cells demonstrated that the p.Ala293Thr variant resulted in zero to eleven percent of normal glutaryl-CoA dehydrogenase enzyme activity compared to controls, with homozygotes exhibiting less than one percent activity (Busquets et al. 2000; Christensen et al. 2004; Kolker et al. 2006; Flamand-Rouviere et al. 2010). Based on the collective evidence, the p.Ala293Thr variant is classified as pathogenic for glutaric acidemia. This variant was observed by ICSL as part of a predisposition screen in an ostensibly healthy population.

Department of Genetics, Sultan Qaboos University Hospital
Classification: Pathogenic for Glutaric aciduria, type 1. Last evaluated: 2017-12-30. Review status: criteria provided, single submitter. Criteria: ACMG Guidelines, 2015. Collection method: curation. Allele origin: unknown. Affected: yes.